The following is an entry in ClinVar:

NC_000017.10:g.(?_41197695)_(41203154_?)del

Gene: BRCA1 (BRCA1 DNA repair associated; minus strand). Cytogenetic location: 17q21.31.
Variant type: Deletion.
Identifiers: ClinVar variation 3242990 (VCV003242990.1).

ClinVar aggregate classification (germline): Pathogenic (1 of 4 stars; one submission).

Conditions:
Hereditary breast ovarian cancer syndrome. Also called: Hereditary breast and ovarian cancer syndrome; Hereditary breast and ovarian cancer; Hereditary breast and ovarian cancer syndrome (HBOC); Breast and ovarian cancer; Hereditary breast and/or ovarian cancer syndrome; BRCA1- and BRCA2-Associated Hereditary Breast and Ovarian Cancer. Identifiers: Orphanet 145, MedGen C0677776, MeSH D061325, MONDO:0003582. Disease mechanism: loss of function.

Submission:

Labcorp Genetics (formerly Invitae), Labcorp
Classification: Pathogenic for Hereditary breast ovarian cancer syndrome. Last evaluated: 2024-01-29. Review status: criteria provided, single submitter. Criteria: Invitae Variant Classification Sherloc (09022015). Collection method: clinical testing. Allele origin: unknown.
Comment: This variant is a gross deletion of the genomic region encompassing exon(s) 20-23 of the BRCA1 gene, which includes the termination codon. This deletion extends beyond the assayed region for this gene and therefore may encompass additional genes. While this deletion is not anticipated to lead to nonsense mediated decay, it is expected to alter mRNA translation or result in a truncated protein product. A similar copy number variant has been observed in individual(s) with breast and ovarian cancer (PMID: 16551709, 17688236, 20232141, 22544547). This variant is also known as deletion of exons 21-24. This variant disrupts the C-terminal end of the BRCA1 protein partially including the BRCT domain (residues 1646-1859), which is important for DNA repair activity (PMID: 11573086, 14576433, 15133503, 25652403). While functional studies have not been performed to directly test the effect on BRCA1 protein function, this suggests that disruption of the C-terminal portion of the protein is functionally important. This variant disrupts a region of the BRCA1 protein in which other variant(s) (p.Gly1788Val) have been determined to be pathogenic (PMID: 9796975, 14534301, 15689452, 18512148, 20516115, 21614564, 27272900). This suggests that this is a clinically significant region of the protein, and that variants that disrupt it are likely to be disease-causing. For these reasons, this variant has been classified as Pathogenic.

Literature cited by the submitters: PubMed 16551709; PubMed 17688236; PubMed 20232141; PubMed 22544547; PubMed 11573086; PubMed 14576433; PubMed 15133503; PubMed 25652403; PubMed 9796975; PubMed 14534301; PubMed 15689452; PubMed 18512148; PubMed 20516115; PubMed 21614564; PubMed 27272900.